The following is an entry in ClinVar:

NM_000368.5(TSC1):c.1727del (p.Leu576fs)

Gene: TSC1 (TSC complex subunit 1; minus strand). Cytogenetic location: 9q34.13.
Variant type: Deletion.
Coding change: c.1727del on transcript NM_000368.5 (MANE Select); coding-DNA position 1727, one base deleted (T; older notation c.1727delT).
Protein change: p.Leu576fs; shifts the reading frame from leucine 576.
Molecular consequence: frameshift variant.
Genome position (GRCh38, 1-based): chr9:132,905,851, A deleted on the plus strand (T on the coding strand, the reverse complement: TSC1 is on the minus strand); the first of 3 consecutive A bases (chr9:132,905,851-132,905,853); deleting any one gives the same sequence. VCF-style (leftmost placement, unchanged base first): chr9-132905850-CA-C. GRCh37 (hg19) VCF-style: chr9-135781237-CA-C.
Other names: c.1727delT (NM_000368.4); c.1724del, p.Leu575fs (NM_001162426.2); c.1574del, p.Leu525fs (NM_001162427.2); c.1364del, p.Leu455fs (NM_001362177.2); short protein forms L576fs, L455fs, L575fs, L525fs.
Identifiers: ClinVar variation 280491 (VCV000280491.2), dbSNP rs886041684, ClinGen allele CA10603026.
Genomic context (GRCh38, chr9:132,905,850, plus strand): 5'-AAAGCCCACTCTCGTCGGAGGTGGAATTTTACAAGGACTGGGAGTGAAGATACTGGTCTC[CA>C]AAGAAGTCTGGCATTCCCTGTCTCCCGCAGGGCTTTCATCAGCACTGCCGCAGGGCAGGT-3'

ClinVar aggregate classification (germline): Pathogenic (1 of 4 stars; one submission).

Submission:

GeneDx
Classification: Pathogenic. Last evaluated: 2016-04-27. Review status: criteria provided, single submitter. Criteria: GeneDx Variant Classification (06012015). Collection method: clinical testing. Allele origin: germline. Affected: yes.
Comment: The c.1727delT pathogenic variant in the TSC1 gene causes a frameshift starting with codon Leucine 576, changes this amino acid to a Tryptophan residue and creates a premature Stop codon at position 53 of the new reading frame, denoted p.Leu576TrpfsX53. This pathogenic variant is predicted to cause loss of normal protein function either through protein truncation or nonsense-mediated mRNA decay. Although this pathogenic variant has not been previously reported to our knowledge, other frameshift variants have been reported in the TSC1 gene in association with tuberous sclerosis complex (TSC1 LOVD; Stenson et al., 2014).